The following is an entry in ClinVar:

ClinVar aggregate classification (germline): Likely pathogenic (1 of 4 stars; one submission).

Conditions:
KCNH1-related disorder. Also called: KCNH1-related disorders; KCNH1-related condition.

Submission:

Rady Children's Institute for Genomic Medicine, Rady Children's Hospital San Diego
Classification: Likely pathogenic for KCNH1-Related Disorders. Review status: criteria provided, single submitter. Criteria: ACMG Guidelines, 2015. Collection method: clinical testing. Allele origin: germline. Affected: yes.
Comment: This variant has not been previously reported or functionally characterized in the literature to our knowledge. It is absent from the gnomAD population database and thus is presumed to be rare. The c.1678C>T (p.Pro560Ser) variant affects a highly conserved amino acid; however, in silico tools used to predict the effect of this variant on protein function yield discordant results. Analysis of the parental samples was negative for the variant, indicating this variant likely occurred as a de novo event. Based on the available evidence, the c.1678C>T (p.Pro560Ser) variant is classified as Likely Pathogenic.

NM_172362.3(KCNH1):c.1678C>T (p.Pro560Ser)

Gene: KCNH1 (potassium voltage-gated channel subfamily H member 1; minus strand). Cytogenetic location: 1q32.2.
Variant type: single nucleotide variant.
Coding change: c.1678C>T on transcript NM_172362.3 (MANE Select); coding-DNA position 1678, C replaced by T.
Protein change: p.Pro560Ser; replaces proline 560 with serine.
Molecular consequence: missense variant.
Genome position (GRCh38, 1-based): chr1:210,797,745, G>A on the plus strand (C>T on the coding strand, the complement: KCNH1 is on the minus strand). VCF-style: chr1-210797745-G-A. GRCh37 (hg19) VCF-style: chr1-210971087-G-A.
Other names: c.1597C>T, p.Pro533Ser (NM_002238.4); short protein forms P533S, P560S.
Identifiers: ClinVar variation 2584506 (VCV002584506.1), dbSNP rs2526809987, ClinGen allele CA344872858.